The following is an entry in ClinVar:

NM_031989.5(PCBP2):c.534C>A (p.Tyr178Ter)

Gene: PCBP2 (poly(rC) binding protein 2; plus strand). Cytogenetic location: 12q13.13.
Variant type: single nucleotide variant.
Coding change: c.534C>A on transcript NM_031989.5 (MANE Select); coding-DNA position 534, C replaced by A.
Protein change: p.Tyr178Ter; replaces tyrosine 178 with a stop codon.
Molecular consequence: nonsense.
Genome position (GRCh38, 1-based): chr12:53,462,522, C>A. VCF-style: chr12-53462522-C-A. GRCh37 (hg19) VCF-style: chr12-53856306-C-A.
Other names: c.534C>A, p.Tyr178Ter (NM_001098620.3, NM_001128912.2, NM_001128914.2); c.546C>A, p.Tyr182Ter (NM_001128911.2, NM_001128913.2, NM_005016.6); short protein forms Y178*, Y182*.
Identifiers: ClinVar variation 4845654 (VCV004845654.1).

ClinVar aggregate classification (germline): Uncertain significance (1 of 4 stars; one submission).

Conditions:
PCPB2-related neurodevelomental disorder.

Submission:

Department of Clinical Genetics, Aarhus University Hospital
Classification: Uncertain significance for PCPB2-related neurodevelomental disorder. Review status: criteria provided, single submitter. Criteria: ACMG Guidelines, 2015. Collection method: clinical testing. Allele origin: de novo. Affected: yes.
Comment: The variant is a nonsense variant predicted to cause a premature termination codon in exon 8 of 15. PCBP2 loss-of-function variants are underrepresented in the gnomAD database. However only few patientes have been reported with PCBP2-variants (PMID:38965372) and due to limited disease-association the variant is classified as uncertain significance.

Literature cited by the submitters: PubMed 38965372.